The following is an entry in ClinVar:

NM_001042492.3(NF1):c.1846-5dup

Gene: NF1 (neurofibromin 1; plus strand). Cytogenetic location: 17q11.2.
Variant type: Duplication.
Coding change: c.1846-5dup on transcript NM_001042492.3 (MANE Select); 5 bases into the intron before coding-DNA position 1846, one base duplicated (T; older notation c.1846-5dupT).
Molecular consequence: intron variant.
Genome position (GRCh38, 1-based): chr17:31,225,090, T duplicated; the last of 7 consecutive T bases (chr17:31,225,084-31,225,090); duplicating any one gives the same sequence. VCF-style (leftmost placement, unchanged base first): chr17-31225083-A-AT. GRCh37 (hg19) VCF-style: chr17-29552101-A-AT.
Other names: c.1846-5dupT (NM_000267.3); c.1846-5dup (NM_000267.4).
Identifiers: ClinVar variation 1665245 (VCV001665245.10), dbSNP rs779012139, ClinGen allele CA8485872.

ClinVar aggregate classification (germline): Benign/Likely benign. Review status: criteria provided, multiple submitters, no conflicts (2 of 4 stars). 3 submissions from 3 submitters: Benign (1); Likely benign (2). Last evaluated 2026-09-22.

Conditions:
Neurofibromatosis, type 1 (NF1). Also called: NEUROFIBROMATOSIS, TYPE I, SOMATIC; Neurofibromatosis, type I; VON RECKLINGHAUSEN DISEASE; Peripheral type neurofibromatosis. Identifiers: Orphanet 636, MedGen C0027831, MONDO:0018975, OMIM 162200. Disease mechanism: loss of function.
Cardiovascular phenotype. Identifiers: MedGen CN230736.
Hereditary cancer-predisposing syndrome. Also called: Neoplastic Syndromes, Hereditary; Tumor predisposition; Hereditary Cancer Syndrome; Hereditary neoplastic syndrome. Identifiers: Orphanet 140162, MedGen C0027672, MeSH D009386, MONDO:0015356.

Submissions (3):

Myriad Genetics, Inc.
Classification: Likely benign for Neurofibromatosis, type 1. Last evaluated: 2026-09-22. Review status: criteria provided, single submitter. Criteria: Myriad Autosomal Dominant, Autosomal Recessive and X-Linked Classification Criteria (2023). Collection method: clinical testing. Allele origin: unknown.
Comment: This variant is considered likely benign. This variant is intronic and is not expected to impact mRNA splicing.

Labcorp Genetics (formerly Invitae), Labcorp
Classification: Benign for Neurofibromatosis, type 1. Last evaluated: 2025-06-15. Review status: criteria provided, single submitter. Criteria: Invitae Variant Classification Sherloc (09022015). Collection method: clinical testing. Allele origin: germline.

Ambry Genetics
Classification: Likely benign for Cardiovascular phenotype; Hereditary cancer-predisposing syndrome. Last evaluated: 2024-03-07. Review status: criteria provided, single submitter. Criteria: Ambry Variant Classification Scheme 2023. Collection method: clinical testing. Allele origin: germline.